The following is an entry in ClinVar:

NM_007294.4(BRCA1):c.3857G>A (p.Ser1286Asn)

Genes: BRCA1 (BRCA1 DNA repair associated; minus strand), LOC126862571 (BRD4-independent group 4 enhancer GRCh37_chr17:41243136-41244335; plus strand). Cytogenetic location: 17q21.31.
Variant type: single nucleotide variant.
Coding change: c.3857G>A on transcript NM_007294.4 (MANE Select); coding-DNA position 3857, G replaced by A.
Protein change: p.Ser1286Asn; replaces serine 1286 with asparagine.
Molecular consequence: missense variant. On other transcripts: intron variant (135).
Genome position (GRCh38, 1-based): chr17:43,091,674, C>T on the plus strand (G>A on the coding strand, the complement: BRCA1 is on the minus strand). VCF-style: chr17-43091674-C-T. GRCh37 (hg19) VCF-style: chr17-41243691-C-T.
Other names: c.3644G>A, p.Ser1215Asn (NM_001407571.1, NM_001407853.1, NM_001407894.1 and 9 more transcripts); c.3857G>A, p.Ser1286Asn (NM_001407581.1, NM_001407582.1, NM_001407583.1 and 30 more transcripts); c.3854G>A, p.Ser1285Asn (NM_001407587.1, NM_001407590.1, NM_001407591.1 and 22 more transcripts); c.3848G>A, p.Ser1283Asn (NM_001407646.1, NM_001407647.1); c.3734G>A, p.Ser1245Asn (NM_001407648.1, NM_001407664.1, NM_001407665.1 and 19 more transcripts); c.3731G>A, p.Ser1244Asn (NM_001407649.1, NM_001407670.1, NM_001407671.1 and 11 more transcripts); c.3779G>A, p.Ser1260Asn (NM_001407653.1, NM_001407654.1, NM_001407655.1 and 4 more transcripts); c.3776G>A, p.Ser1259Asn (NM_001407659.1, NM_001407660.1, NM_001407661.1 and 1 more transcripts); and 41 more; short protein forms S1158N, S1260N, S1283N, S1285N, S1216N, S1118N, S1159N, S1174N.
Identifiers: ClinVar variation 2900152 (VCV002900152.3), dbSNP rs142383077, ClinGen allele CA10594249.
Genomic context (GRCh38, chr17:43,091,674, plus strand): 5'-AAGTCTTCCAATTCACTGCACTGTGAAGAAAACAAGCTAGCAGAACATTTTGTTTCCTCA[C>T]TAAGGTGATGTTCCTGAGATGCCTTTGCCAATATTACCTGGTTACTGCAGTCATTTAAGC-3'
Protein context (NP_009225.1, residues 1276-1296): LAKASQEHHL[Ser1286Asn]EETKCSASLF

ClinVar aggregate classification (germline): Uncertain significance (1 of 4 stars; one submission).

Conditions:
Hereditary breast ovarian cancer syndrome. Also called: Hereditary breast and ovarian cancer; Breast and ovarian cancer; BRCA1- and BRCA2-Associated Hereditary Breast and Ovarian Cancer; Hereditary breast and ovarian cancer syndrome (HBOC); Hereditary breast and ovarian cancer syndrome; Hereditary breast and/or ovarian cancer syndrome. Identifiers: Orphanet 145, MedGen C0677776, MeSH D061325, MONDO:0003582. Disease mechanism: loss of function.

Submission:

Labcorp Genetics (formerly Invitae), Labcorp
Classification: Uncertain significance for Hereditary breast ovarian cancer syndrome. Last evaluated: 2023-05-22. Review status: criteria provided, single submitter. Criteria: Invitae Variant Classification Sherloc (09022015). Collection method: clinical testing. Allele origin: germline.
Comment: In summary, the available evidence is currently insufficient to determine the role of this variant in disease. Therefore, it has been classified as a Variant of Uncertain Significance. Advanced modeling of protein sequence and biophysical properties (such as structural, functional, and spatial information, amino acid conservation, physicochemical variation, residue mobility, and thermodynamic stability) performed at Invitae indicates that this missense variant is not expected to disrupt BRCA1 protein function. This variant has not been reported in the literature in individuals affected with BRCA1-related conditions. This variant is not present in population databases (gnomAD no frequency). This sequence change replaces serine, which is neutral and polar, with asparagine, which is neutral and polar, at codon 1286 of the BRCA1 protein (p.Ser1286Asn).